The following is an entry in ClinVar:

ClinVar aggregate classification (germline): Benign. Review status: criteria provided, multiple submitters, no conflicts (2 of 4 stars). 6 submissions from 6 submitters: Benign (6). Last evaluated 2026-02-04.

Allele frequency attached by ClinVar (database versions not stated): 1000 Genomes Project 30x 0.22033; 1000 Genomes Project 0.22145; TOPMed 0.23959; gnomAD 0.25098 and 0.25455; ESP Exome Variant Server 0.25727; gnomAD exomes 0.28486 and 0.30922; ExAC 0.28857.
gnomAD v4.1: 490,279 of 1,613,610 alleles (30%); highest among the groups gnomAD compares: Middle Eastern, 34%; 77,315 homozygotes.

Submissions (6):

Labcorp Genetics (formerly Invitae), Labcorp
Classification: Benign. Last evaluated: 2026-02-04. Review status: criteria provided, single submitter. Criteria: Invitae Variant Classification Sherloc (09022015). Collection method: clinical testing. Allele origin: germline.

Blueprint Genetics
Classification: Benign. Last evaluated: 2024-11-28. Review status: criteria provided, single submitter. Criteria: ACMG Guidelines, 2015. Collection method: clinical testing. Allele origin: germline.

Mayo Clinic Laboratories, Mayo Clinic
Classification: Benign. Last evaluated: 2022-04-26. Review status: criteria provided, single submitter. Criteria: ACMG Guidelines, 2015. Collection method: clinical testing. Allele origin: germline. Observed: 105 variant alleles.

GeneDx
Classification: Benign. Last evaluated: 2021-05-04. Review status: criteria provided, single submitter. Criteria: GeneDx Variant Classification Process June 2021. Collection method: clinical testing. Allele origin: germline. Affected: yes.

Laboratory for Molecular Medicine, Mass General Brigham Personalized Medicine
Classification: Benign. Last evaluated: 2016-03-28. Review status: criteria provided, single submitter. Criteria: LMM Criteria. Collection method: clinical testing. Allele origin: germline.
Comment: Variant identified in a genome or exome case(s) and assessed due to predicted null impact of the variant or pathogenic assertions in the literature or databases. Disclaimer: This variant has not undergone full assessment. The following are preliminary notes: MAF

Breakthrough Genomics
Classification: Benign. Review status: criteria provided, single submitter. Criteria: ACMG Guidelines, 2015. Collection method: not provided. Allele origin: germline. Inheritance: Autosomal recessive inheritance. Affected: yes.

NM_001372.4(DNAH9):c.12060G>A (p.Thr4020=)

Gene: DNAH9 (dynein axonemal heavy chain 9; plus strand). Cytogenetic location: 17p12.
Variant type: single nucleotide variant.
Coding change: c.12060G>A on transcript NM_001372.4 (MANE Select); coding-DNA position 12060, G replaced by A.
Protein change: p.Thr4020=; no amino-acid change (threonine 4020 retained).
Molecular consequence: synonymous variant.
Genome position (GRCh38, 1-based): chr17:11,930,048, G>A. VCF-style: chr17-11930048-G-A. GRCh37 (hg19) VCF-style: chr17-11833365-G-A.
Other names: p.Thr4020=; c.996G>A, p.Thr332= (NM_004662.2).
Identifiers: ClinVar variation 402785 (VCV000402785.16), dbSNP rs1859887, ClinGen allele CA8398033.